The following is an entry in ClinVar:

ClinVar aggregate classification (germline): Benign. Review status: criteria provided, multiple submitters, no conflicts (2 of 4 stars). 2 submissions from 2 submitters: Benign (2). Last evaluated 2018-06-19.

Allele frequency attached by ClinVar (database versions not stated): gnomAD exomes 0.02221; gnomAD 0.07398 and 0.07864; 1000 Genomes Project 0.07508; TOPMed 0.08111; 1000 Genomes Project 30x 0.08260.
gnomAD v4.1: 41,488 of 1,500,066 alleles (2.8%); highest among the groups gnomAD compares: African/African-American, 22%; 2,112 homozygotes.

Submissions (2):

GeneDx
Classification: Benign. Last evaluated: 2018-06-19. Review status: criteria provided, single submitter. Criteria: GeneDx Variant Classification (06012015). Collection method: clinical testing. Allele origin: germline. Affected: yes.
Comment: This variant is considered likely benign or benign based on one or more of the following criteria: it is a conservative change, it occurs at a poorly conserved position in the protein, it is predicted to be benign by multiple in silico algorithms, and/or has population frequency not consistent with disease.

Breakthrough Genomics
Classification: Benign. Review status: criteria provided, single submitter. Criteria: ACMG Guidelines, 2015. Collection method: not provided. Allele origin: germline. Inheritance: Autosomal dominant inheritance. Affected: yes.

NM_000093.5(COL5A1):c.654+73G>A

Gene: COL5A1 (collagen type V alpha 1 chain; plus strand). Cytogenetic location: 9q34.3.
Variant type: single nucleotide variant.
Coding change: c.654+73G>A on transcript NM_000093.5 (MANE Select); 73 bases into the intron after coding-DNA position 654, G replaced by A.
Molecular consequence: intron variant.
Genome position (GRCh38, 1-based): chr9:134,701,406, G>A. VCF-style: chr9-134701406-G-A. GRCh37 (hg19) VCF-style: chr9-137593252-G-A.
Other names: c.654+73G>A (NM_001278074.1).
Identifiers: ClinVar variation 674657 (VCV000674657.2), dbSNP rs4523334, ClinGen allele CA201087566.